The following is an entry in ClinVar:

ClinVar aggregate classification (germline): Uncertain significance. Review status: criteria provided, multiple submitters, no conflicts (2 of 4 stars). 2 submissions from 2 submitters: Uncertain significance (2). Last evaluated 2022-07-21.

Conditions:
Holoprosencephaly 5 (HPE5). Identifiers: Orphanet 2162, MedGen C1864827, MONDO:0012322, OMIM 609637.
Inborn genetic diseases. Identifiers: MedGen C0950123, MeSH D030342.

Submissions (2):

Ambry Genetics
Classification: Uncertain significance for Inborn genetic diseases. Last evaluated: 2022-07-21. Review status: criteria provided, single submitter. Criteria: Ambry Variant Classification Scheme 2023. Collection method: clinical testing. Allele origin: germline.

Labcorp Genetics (formerly Invitae), Labcorp
Classification: Uncertain significance for Holoprosencephaly 5. Last evaluated: 2021-07-03. Review status: criteria provided, single submitter. Criteria: Invitae Variant Classification Sherloc (09022015). Collection method: clinical testing. Allele origin: germline.
Comment: This sequence change replaces alanine with glycine at codon 228 of the ZIC2 protein (p.Ala228Gly). The alanine residue is highly conserved and there is a small physicochemical difference between alanine and glycine. In summary, the available evidence is currently insufficient to determine the role of this variant in disease. Therefore, it has been classified as a Variant of Uncertain Significance. Algorithms developed to predict the effect of missense changes on protein structure and function (SIFT, PolyPhen-2, Align-GVGD) all suggest that this variant is likely to be tolerated. This variant has not been reported in the literature in individuals affected with ZIC2-related conditions. This variant is not present in population databases (ExAC no frequency).

NM_007129.5(ZIC2):c.683C>G (p.Ala228Gly)

Gene: ZIC2 (Zic family zinc finger 2; plus strand). Cytogenetic location: 13q32.3.
Variant type: single nucleotide variant.
Coding change: c.683C>G on transcript NM_007129.5 (MANE Select); coding-DNA position 683, C replaced by G.
Protein change: p.Ala228Gly; replaces alanine 228 with glycine.
Molecular consequence: missense variant.
Genome position (GRCh38, 1-based): chr13:99,982,747, C>G. VCF-style: chr13-99982747-C-G. GRCh37 (hg19) VCF-style: chr13-100635001-C-G.
Other names: c.683C>G (NM_007129.3); short protein forms A228G.
Identifiers: ClinVar variation 1436681 (VCV001436681.9), dbSNP rs2152162577, ClinGen allele CA388637828.